The following is an entry in ClinVar:

ClinVar aggregate classification (germline): Uncertain significance (1 of 4 stars; one submission).

Conditions:
Intellectual disability, autosomal recessive 53 (NEDHSCA). Also called: GLYCOSYLPHOSPHATIDYLINOSITOL BIOSYNTHESIS DEFECT 13; Mental retardation, autosomal recessive 53; NEURODEVELOPMENTAL DISORDER WITH OR WITHOUT HYPOTONIA, SEIZURES, AND CEREBELLAR ATROPHY. Identifiers: Orphanet 488635, MedGen C4310794, MONDO:0014832, OMIM 616917.

gnomAD v4.1: 18 of 1,614,150 alleles (0.0011%); highest among the groups gnomAD compares: South Asian, 0.02%; no homozygotes.

Submission:

Labcorp Genetics (formerly Invitae), Labcorp
Classification: Uncertain significance for Intellectual disability, autosomal recessive 53. Last evaluated: 2024-11-07. Review status: criteria provided, single submitter. Criteria: Invitae Variant Classification Sherloc (09022015). Collection method: clinical testing. Allele origin: germline.
Comment: This sequence change affects codon 690 of the PIGG mRNA. It is a 'silent' change, meaning that it does not change the encoded amino acid sequence of the PIGG protein. It affects a nucleotide within the consensus splice site. This variant is present in population databases (rs559106384, gnomAD 0.01%). This variant has not been reported in the literature in individuals affected with PIGG-related conditions. Algorithms developed to predict the effect of sequence changes on RNA splicing suggest that this variant is not likely to affect RNA splicing. In summary, the available evidence is currently insufficient to determine the role of this variant in disease. Therefore, it has been classified as a Variant of Uncertain Significance.

NM_001127178.3(PIGG):c.2070C>T (p.Ser690=)

Gene: PIGG (phosphatidylinositol glycan anchor biosynthesis class G (EMM blood group); plus strand). Cytogenetic location: 4p16.3.
Variant type: single nucleotide variant.
Coding change: c.2070C>T on transcript NM_001127178.3 (MANE Select); coding-DNA position 2070, C replaced by T.
Protein change: p.Ser690=; no amino-acid change (serine 690 retained).
Molecular consequence: synonymous variant. On other transcripts: non-coding transcript variant (10).
Genome position (GRCh38, 1-based): chr4:527,039, C>T. VCF-style: chr4-527039-C-T. GRCh37 (hg19) VCF-style: chr4-520828-C-T.
Other names: c.1803C>T, p.Ser601= (NM_001289051.2, NM_001345986.2); c.1671C>T, p.Ser557= (NM_001289052.2); c.1779C>T, p.Ser593= (NM_001345987.2); c.1041C>T, p.Ser347= (NM_001345988.2); c.537C>T, p.Ser179= (NM_001345990.2, NM_001345991.2); c.972C>T, p.Ser324= (NM_001345994.2); c.2046C>T, p.Ser682= (NM_017733.5).
Identifiers: ClinVar variation 3707859 (VCV003707859.2).
Genomic context (GRCh38, chr4:527,039, plus strand): 5'-TGTAGATTGATCTTGTCGCTGTTTGTTTACGTAATGCTGGCATTTTCCATCTCATTTCAG[C>T]TCTGACCACAAAGCCGAGCTCTCTGTCCTGGCTGCCCTCTCCCTCCTCGTAGTTTTTGTG-3'
Protein context (NP_001120650.1, residues 680-700): HRPDLGHWLT[Ser690=]SDHKAELSVL